The following is an entry in ClinVar:

NM_001395002.1(MAP4K4):c.163G>A (p.Val55Ile)

Gene: MAP4K4 (mitogen-activated protein kinase kinase kinase kinase 4; plus strand). Cytogenetic location: 2q11.2.
Variant type: single nucleotide variant.
Coding change: c.163G>A on transcript NM_001395002.1 (MANE Select); coding-DNA position 163, G replaced by A.
Protein change: p.Val55Ile; replaces valine 55 with isoleucine.
Molecular consequence: missense variant. On other transcripts: non-coding transcript variant (4).
Genome position (GRCh38, 1-based): chr2:101,790,759, G>A. VCF-style: chr2-101790759-G-A. GRCh37 (hg19) VCF-style: chr2-102407221-G-A.
Other names: c.163G>A, p.Val55Ile (NM_001242559.2, NM_001242560.2, NM_001384476.1 and 28 more transcripts); c.136G>A, p.Val46Ile (NM_001384549.1, NM_001384550.1, NM_001384551.1 and 16 more transcripts); short protein forms V46I, V55I.
Identifiers: ClinVar variation 3776517 (VCV003776517.1).

ClinVar aggregate classification (germline): Uncertain significance (1 of 4 stars; one submission).

Submission:

GeneDx
Classification: Uncertain significance. Last evaluated: 2024-10-01. Review status: criteria provided, single submitter. Criteria: GeneDx Variant Classification Process June 2021. Collection method: clinical testing. Allele origin: germline. Affected: yes.
Comment: Not observed at significant frequency in large population cohorts (gnomAD); In silico analysis indicates that this missense variant does not alter protein structure/function; Has not been previously published as pathogenic or benign to our knowledge